The following is an entry in ClinVar:

NM_005027.4(PIK3R2):c.2168C>T (p.Pro723Leu)

Gene: PIK3R2 (phosphoinositide-3-kinase regulatory subunit 2; plus strand). Cytogenetic location: 19p13.11.
Variant type: single nucleotide variant.
Coding change: c.2168C>T on transcript NM_005027.4 (MANE Select); coding-DNA position 2168, C replaced by T.
Protein change: p.Pro723Leu; replaces proline 723 with leucine.
Molecular consequence: missense variant. On other transcripts: non-coding transcript variant (2).
Genome position (GRCh38, 1-based): chr19:18,169,275, C>T. VCF-style: chr19-18169275-C-T. GRCh37 (hg19) VCF-style: chr19-18280085-C-T.
Other names: short protein forms P723L.
Identifiers: ClinVar variation 1194732 (VCV001194732.36), dbSNP rs201029925, ClinGen allele CA9307271.
Genomic context (GRCh38, chr19:18,169,275, plus strand): 5'-AGCACAACGACGCGCTCACCGTCACCCTGGCGCACCCAGTGCGCGCCCCGGGCCCCGGCC[C>T]GCCGCCTGCCGCCCGCTGAGCACCGAGGACCCGCCCCAAGCAGAGCCGCCCCTGGGCCCG-3'
Protein context (NP_005018.2, residues 713-728): AHPVRAPGPG[Pro723Leu]PPAAR

ClinVar aggregate classification (germline): Benign/Likely benign. Review status: criteria provided, multiple submitters, no conflicts (2 of 4 stars). 5 submissions from 5 submitters: Benign (1); Likely benign (4). Last evaluated 2026-03-01.

Conditions:
Megalencephaly-polymicrogyria-postaxial polydactyly-hydrocephalus syndrome. Also called: MEG-PMG-MEGACC SYNDROME; MPPH Syndrome. Identifiers: Orphanet 83473, MedGen C1863924, MONDO:0019375.

Allele frequency attached by ClinVar (database versions not stated): 1000 Genomes Project 30x 0.00016; 1000 Genomes Project 0.00020; gnomAD exomes 0.00029; gnomAD 0.00048; ExAC 0.00101.
gnomAD v4.1: 487 of 1,507,482 alleles (0.032%); highest among the groups gnomAD compares: Non-Finnish European, 0.039%; no homozygotes.

Submissions (5):

CeGaT Center for Human Genetics Tuebingen
Classification: Likely benign. Last evaluated: 2026-03-01. Review status: criteria provided, single submitter. Criteria: CeGaT Center For Human Genetics Tuebingen Variant Classification Criteria Version 2. Collection method: clinical testing. Allele origin: germline. Affected: yes. Observed: 5 variant alleles.
Comment: PIK3R2: BS2

Labcorp Genetics (formerly Invitae), Labcorp
Classification: Benign for Megalencephaly-polymicrogyria-postaxial polydactyly-hydrocephalus syndrome. Last evaluated: 2026-01-05. Review status: criteria provided, single submitter. Criteria: Invitae Variant Classification Sherloc (09022015). Collection method: clinical testing. Allele origin: germline.

Laboratory of Genetics, Children's Clinical University Hospital Latvia
Classification: Likely benign. Last evaluated: 2025-02-16. Review status: criteria provided, single submitter. Criteria: ACMG Guidelines, 2015. Collection method: clinical testing. Allele origin: germline. Affected: yes.

Blueprint Genetics
Classification: Likely benign. Last evaluated: 2024-10-09. Review status: criteria provided, single submitter. Criteria: ACMG Guidelines, 2015. Collection method: clinical testing. Allele origin: germline.

GeneDx
Classification: Likely benign. Last evaluated: 2020-03-25. Review status: criteria provided, single submitter. Criteria: GeneDx Variant Classification Process June 2021. Collection method: clinical testing. Allele origin: germline. Affected: yes.